The following is an entry in ClinVar:

NM_004397.6(DDX6):c.1026C>G (p.Asn342Lys)

Gene: DDX6 (DEAD-box helicase 6; minus strand). Cytogenetic location: 11q23.3.
Variant type: single nucleotide variant.
Coding change: c.1026C>G on transcript NM_004397.6 (MANE Select); coding-DNA position 1026, C replaced by G.
Protein change: p.Asn342Lys; replaces asparagine 342 with lysine.
Molecular consequence: missense variant.
Genome position (GRCh38, 1-based): chr11:118,757,255, G>C on the plus strand (C>G on the coding strand, the complement: DDX6 is on the minus strand). VCF-style: chr11-118757255-G-C. GRCh37 (hg19) VCF-style: chr11-118627964-G-C.
Other names: c.1026C>G, p.Asn342Lys (NM_001257191.3, NM_001425145.1, NM_001425146.1); c.1023C>G, p.Asn341Lys (NM_001425147.1, NM_001425148.1); c.897C>G, p.Asn299Lys (NM_001425149.1, NM_001425150.1); c.879C>G, p.Asn293Lys (NM_001425151.1, NM_001425152.1); c.750C>G, p.Asn250Lys (NM_001425153.1); c.702C>G, p.Asn234Lys (NM_001425154.1); short protein forms N234K, N250K, N293K, N299K, N341K, N342K.
Identifiers: ClinVar variation 3376241 (VCV003376241.1).
Genomic context (GRCh38, chr11:118,757,255, plus strand): 5'-GAAGCAAGAATAACCCAGTTGAGAAATCTTCTTGGCTAGCAATTCAACTCGCTGAGAGGA[G>C]TTACAGAAAATGATCGACTGGTTTATCTGAAGCTGAGCACAGAAAAAAATAAGTATGAGA-3'
Protein context (NP_004388.2, residues 332-352): LQINQSIIFC[Asn342Lys]SSQRVELLAK

ClinVar aggregate classification (germline): Uncertain significance (1 of 4 stars; one submission).

Conditions:
Intellectual developmental disorder with impaired language and dysmorphic facies. Identifiers: MedGen C5231444, MONDO:0032851, OMIM 618653.

Submission:

Pittsburgh Clinical Genomics Laboratory, University of Pittsburgh Medical Center
Classification: Uncertain significance for Intellectual developmental disorder with impaired language and dysmorphic facies. Last evaluated: 2023-09-12. Review status: criteria provided, single submitter. Criteria: ACMG Guidelines, 2015. Collection method: clinical testing. Allele origin: germline. Inheritance: Autosomal dominant inheritance. Affected: yes.
Comment: This sequence variant is a single nucleotide substitution (C>G) at position 1026 of the coding sequence of the DDX6 gene that results in an asparagine to lysine amino acid change at residue 342 of the DEAD-box helicase 6 protein. This variant is absent from ClinVar and from the gnomAD population database (0 of approximately 250,000 alleles). To our knowledge, this variant has not been observed in an individual affected by a DDX6-related disorder in the published literature. Multiple bioinformatic tools predict that this Asn to Lys amino acid change would be damaging, and the asparagine residue at this position is highly conserved across the vertebrate species examined. Studies examining the functiol consequence of this variant have not been published, to our knowledge. At this time, there is insufficient evidence to determine if this variant is pathogenic or benign. Therefore, we consider this a variant of uncertain significance. ACMG Criteria: PM2, PP3, PS2